The following is an entry in ClinVar:

ClinVar aggregate classification (germline): Uncertain significance (1 of 4 stars; one submission).

Conditions:
MEGF10-related myopathy (CMYO10A). Also called: Congenital myopathy 10A, severe variant. Identifiers: Orphanet 439212, MedGen C3280679, MONDO:0013731, OMIM 614399.

Allele frequency attached by ClinVar (database versions not stated): ExAC 0.00001; gnomAD 0.00001 and 0.00003; gnomAD exomes 0.00001 and 0.00002; TOPMed 0.00001.
gnomAD v4.1: 31 of 1,613,948 alleles (0.0019%); highest among the groups gnomAD compares: Non-Finnish European, 0.0023%; 2 homozygotes.

Submission:

Labcorp Genetics (formerly Invitae), Labcorp
Classification: Uncertain significance for MEGF10-related myopathy. Last evaluated: 2025-12-06. Review status: criteria provided, single submitter. Criteria: Invitae Variant Classification Sherloc (09022015). Collection method: clinical testing. Allele origin: germline.
Comment: This sequence change replaces proline, which is neutral and non-polar, with arginine, which is basic and polar, at codon 300 of the MEGF10 protein (p.Pro300Arg). This variant is present in population databases (rs760972764, gnomAD 0.002%). This variant has not been reported in the literature in individuals affected with MEGF10-related conditions. ClinVar contains an entry for this variant (Variation ID: 1435555). Invitae Evidence Modeling of protein sequence and biophysical properties (such as structural, functional, and spatial information, amino acid conservation, physicochemical variation, residue mobility, and thermodynamic stability) indicates that this missense variant is not expected to disrupt MEGF10 protein function with a negative predictive value of 80%. In summary, the available evidence is currently insufficient to determine the role of this variant in disease. Therefore, it has been classified as a Variant of Uncertain Significance.

NM_001256545.2(MEGF10):c.899C>G (p.Pro300Arg)

Gene: MEGF10 (multiple EGF like domains 10; plus strand). Cytogenetic location: 5q23.2.
Variant type: single nucleotide variant.
Coding change: c.899C>G on transcript NM_001256545.2 (MANE Select); coding-DNA position 899, C replaced by G.
Protein change: p.Pro300Arg; replaces proline 300 with arginine.
Molecular consequence: missense variant.
Genome position (GRCh38, 1-based): chr5:127,402,664, C>G. VCF-style: chr5-127402664-C-G. GRCh37 (hg19) VCF-style: chr5-126738356-C-G.
Other names: c.899C>G, p.Pro300Arg (NM_001308119.2, NM_001308121.2, NM_032446.3); short protein forms P300R.
Identifiers: ClinVar variation 1435555 (VCV001435555.7), dbSNP rs760972764, ClinGen allele CA3391425.